The following is an entry in ClinVar:

NM_006231.4(POLE):c.3515T>A (p.Leu1172Gln)

Gene: POLE (DNA polymerase epsilon, catalytic subunit; minus strand). Cytogenetic location: 12q24.33.
Variant type: single nucleotide variant.
Coding change: c.3515T>A on transcript NM_006231.4 (MANE Select); coding-DNA position 3515, T replaced by A.
Protein change: p.Leu1172Gln; replaces leucine 1172 with glutamine.
Molecular consequence: missense variant.
Genome position (GRCh38, 1-based): chr12:132,657,203, A>T on the plus strand (T>A on the coding strand, the complement: POLE is on the minus strand). VCF-style: chr12-132657203-A-T. GRCh37 (hg19) VCF-style: chr12-133233789-A-T.
Other names: short protein forms L1172Q.
Identifiers: ClinVar variation 4825815 (VCV004825815.1).

ClinVar aggregate classification (germline): Uncertain significance (1 of 4 stars; one submission).

Conditions:
Hereditary cancer-predisposing syndrome. Also called: Neoplastic Syndromes, Hereditary; Tumor predisposition; Hereditary Cancer Syndrome; Hereditary neoplastic syndrome. Identifiers: Orphanet 140162, MedGen C0027672, MeSH D009386, MONDO:0015356.

gnomAD v4.1: 1 of 1,613,942 alleles (0.000062%); highest among the groups gnomAD compares: African/African-American, 0.0013%; no homozygotes.

Submission:

Ambry Genetics
Classification: Uncertain significance for Hereditary cancer-predisposing syndrome. Last evaluated: 2026-02-23. Review status: criteria provided, single submitter. Criteria: Ambry Variant Classification Scheme 2023. Collection method: clinical testing. Allele origin: germline.
Comment: The p.L1172Q variant (also known as c.3515T>A), located in coding exon 29 of the POLE gene, results from a T to A substitution at nucleotide position 3515. The leucine at codon 1172 is replaced by glutamine, an amino acid with dissimilar properties. This amino acid position is well conserved in available vertebrate species. In addition, this alteration is predicted to be tolerated by in silico analysis. Based on the available evidence, the clinical significance of this variant remains unclear.